The following is an entry in ClinVar:

ClinVar aggregate classification (germline): Uncertain significance (0 of 4 stars; one submission).

Conditions:
DNAH11-related disorder. Also called: DNAH11-related condition.

Allele frequency attached by ClinVar (database versions not stated): gnomAD 0.00011; TOPMed 0.00017; 1000 Genomes Project 0.00040; 1000 Genomes Project 30x 0.00047.
gnomAD v4.1: 16 of 152,324 alleles (0.011%); highest among the groups gnomAD compares: Admixed American, 0.065%; no homozygotes.

Submission:

PreventionGenetics, part of Exact Sciences
Classification: Uncertain significance for DNAH11-related condition. Last evaluated: 2024-01-17. Review status: no assertion criteria provided. Collection method: clinical testing. Allele origin: germline.
Comment: The DNAH11 c.8510+466C>T variant is predicted to interfere with splicing. To our knowledge, this variant has not been reported in the literature or in a large population database, indicating this variant is rare. At this time, the clinical significance of this variant is uncertain due to the absence of conclusive functional and genetic evidence.

NM_001277115.2(DNAH11):c.8510+466C>T

Gene: DNAH11 (dynein axonemal heavy chain 11; plus strand). Cytogenetic location: 7p15.3.
Variant type: single nucleotide variant.
Coding change: c.8510+466C>T on transcript NM_001277115.2 (MANE Select); 466 bases into the intron after coding-DNA position 8510, C replaced by T.
Molecular consequence: intron variant.
Genome position (GRCh38, 1-based): chr7:21,745,529, C>T. VCF-style: chr7-21745529-C-T. GRCh37 (hg19) VCF-style: chr7-21785147-C-T.
Identifiers: ClinVar variation 3031642 (VCV003031642.2), dbSNP rs538698236, ClinGen allele CA155118873.